The following is an entry in ClinVar:

ClinVar aggregate classification (germline): Conflicting classifications of pathogenicity. Review status: criteria provided, conflicting classifications (1 of 4 stars). 3 submissions from 3 submitters: Likely pathogenic (1); Uncertain significance (2). Last evaluated 2024-04-06.

Allele frequency attached by ClinVar (database versions not stated): gnomAD exomes below 0.00001 and 0.00001; TOPMed below 0.00001; ExAC 0.00001.
gnomAD v4.1: 6 of 1,614,066 alleles (0.00037%); highest among the groups gnomAD compares: East Asian, 0.0022%; no homozygotes.

Submissions (3):

Labcorp Genetics (formerly Invitae), Labcorp
Classification: Likely pathogenic. Last evaluated: 2024-04-06. Review status: criteria provided, single submitter. Criteria: Invitae Variant Classification Sherloc (09022015). Collection method: clinical testing. Allele origin: germline.
Comment: This sequence change replaces arginine, which is basic and polar, with histidine, which is basic and polar, at codon 989 of the COL2A1 protein (p.Arg989His). This variant is present in population databases (rs756155678, gnomAD 0.006%). This variant has not been reported in the literature in individuals affected with COL2A1-related conditions. ClinVar contains an entry for this variant (Variation ID: 1201245). Advanced modeling of protein sequence and biophysical properties (such as structural, functional, and spatial information, amino acid conservation, physicochemical variation, residue mobility, and thermodynamic stability) performed at Invitae indicates that this missense variant is expected to disrupt COL2A1 protein function with a positive predictive value of 95%. This variant disrupts the p.Arg989 amino acid residue in COL2A1. Other variant(s) that disrupt this residue have been determined to be pathogenic (PMID: 8325895, 21472893, 21924244, 25735649). This suggests that this residue is clinically significant, and that variants that disrupt this residue are likely to be disease-causing. In summary, the currently available evidence indicates that the variant is pathogenic, but additional data are needed to prove that conclusively. Therefore, this variant has been classified as Likely Pathogenic.

Illumina Laboratory Services, Illumina
Classification: Uncertain significance. Last evaluated: 2022-12-19. Review status: criteria provided, single submitter. Criteria: ICSL CNVClassificationCriteria Aug2020. Collection method: clinical testing. Allele origin: unknown. Affected: yes.
Comment: The COL2A1 c.2966G>A (p.Arg989His) missense variant results in the substitution of arginine at amino acid position 989 with histidine. To our knowledge, this variant has not been reported in the peer-reviewed literature, but a variant at the same amino acid position (p.Arg989Cys) that has been reported in individuals with COL2A1-related conditions. The c.2966G>A variant is reported in two alleles in version 2.1.1 of the Genome Aggregation Database, one individual each in the East Asian and Latino/Admixed American populations. In silico tools predict a deleterious effect of this variant. Based on the available evidence, the c.2966G>A (p.Arg989His) variant is classified as a variant of uncertain significance for COL2A1-related disorders.

GeneDx
Classification: Uncertain significance. Last evaluated: 2020-04-14. Review status: criteria provided, single submitter. Criteria: GeneDx Variant Classification Process June 2021. Collection method: clinical testing. Allele origin: germline. Affected: yes.
Comment: In silico analysis supports that this missense variant has a deleterious effect on protein structure/function; Has not been previously published as pathogenic or benign to our knowledge

Literature cited by the submitters: PubMed 8325895 (cited by Labcorp Genetics (formerly Invitae), Labcorp); PubMed 21472893 (cited by Labcorp Genetics (formerly Invitae), Labcorp); PubMed 21924244 (cited by Labcorp Genetics (formerly Invitae), Labcorp); PubMed 25735649 (cited by Labcorp Genetics (formerly Invitae), Labcorp).

NM_001844.5(COL2A1):c.2966G>A (p.Arg989His)

Gene: COL2A1 (collagen type II alpha 1 chain; minus strand). Cytogenetic location: 12q13.11.
Variant type: single nucleotide variant.
Coding change: c.2966G>A on transcript NM_001844.5 (MANE Select); coding-DNA position 2966, G replaced by A.
Protein change: p.Arg989His; replaces arginine 989 with histidine.
Molecular consequence: missense variant.
Genome position (GRCh38, 1-based): chr12:47,978,328, C>T on the plus strand (G>A on the coding strand, the complement: COL2A1 is on the minus strand). VCF-style: chr12-47978328-C-T. GRCh37 (hg19) VCF-style: chr12-48372111-C-T.
Other names: c.2759G>A, p.Arg920His (NM_033150.3); short protein forms R920H, R989H.
Identifiers: ClinVar variation 1201245 (VCV001201245.9), dbSNP rs756155678, ClinGen allele CA6534940.